The following is an entry in ClinVar:

ClinVar aggregate classification (germline): Uncertain significance (1 of 4 stars; one submission).

Submission:

Labcorp Genetics (formerly Invitae), Labcorp
Classification: Uncertain significance. Last evaluated: 2021-05-19. Review status: criteria provided, single submitter. Criteria: Invitae Variant Classification Sherloc (09022015). Collection method: clinical testing. Allele origin: germline.
Comment: In summary, the available evidence is currently insufficient to determine the role of this variant in disease. Therefore, it has been classified as a Variant of Uncertain Significance. Algorithms developed to predict the effect of missense changes on protein structure and function are either unavailable or do not agree on the potential impact of this missense change (SIFT: "Deleterious"; PolyPhen-2: "Benign"; Align-GVGD: "Class C35"). This variant has not been reported in the literature in individuals with SMARCB1-related conditions. This variant is not present in population databases (ExAC no frequency). This sequence change replaces glutamic acid with aspartic acid at codon 184 of the SMARCB1 protein (p.Glu184Asp). The glutamic acid residue is highly conserved and there is a small physicochemical difference between glutamic acid and aspartic acid.

NM_003073.5(SMARCB1):c.552G>T (p.Glu184Asp)

Gene: SMARCB1 (SWI/SNF related BAF chromatin remodeling complex subunit B1; plus strand). Cytogenetic location: 22q11.23.
Variant type: single nucleotide variant.
Coding change: c.552G>T on transcript NM_003073.5 (MANE Select); coding-DNA position 552, G replaced by T.
Protein change: p.Glu184Asp; replaces glutamic acid 184 with aspartic acid.
Molecular consequence: missense variant.
Genome position (GRCh38, 1-based): chr22:23,803,346, G>T. VCF-style: chr22-23803346-G-T. GRCh37 (hg19) VCF-style: chr22-24145533-G-T.
Other names: c.525G>T, p.Glu175Asp (NM_001007468.3); c.579G>T, p.Glu193Asp (NM_001317946.2); c.606G>T, p.Glu202Asp (NM_001362877.2); short protein forms E175D, E202D, E184D, E193D.
Identifiers: ClinVar variation 1354356 (VCV001354356.8), dbSNP rs2145982835, ClinGen allele CA410935711.